The following is an entry in ClinVar:

ClinVar aggregate classification (germline): Uncertain significance (1 of 4 stars; one submission).

Conditions:
Cardiovascular phenotype. Identifiers: MedGen CN230736.

Submission:

Ambry Genetics
Classification: Uncertain significance for Cardiovascular phenotype. Last evaluated: 2026-04-27. Review status: criteria provided, single submitter. Criteria: Ambry Variant Classification Scheme 2023. Collection method: clinical testing. Allele origin: germline.
Comment: The p.S283Y variant (also known as c.848C>A), located in coding exon 9 of the TPM1 gene, results from a C to A substitution at nucleotide position 848. The serine at codon 283 is replaced by tyrosine, an amino acid with dissimilar properties. This amino acid position is conserved. In addition, the in silico prediction for this alteration is inconclusive. Based on the available evidence, the clinical significance of this variant remains unclear.

NM_001018005.2(TPM1):c.848C>A (p.Ser283Tyr)

Gene: TPM1 (tropomyosin 1; plus strand). Cytogenetic location: 15q22.2.
Variant type: single nucleotide variant.
Coding change: c.848C>A on transcript NM_001018005.2 (MANE Select); coding-DNA position 848, C replaced by A.
Protein change: p.Ser283Tyr; replaces serine 283 with tyrosine.
Molecular consequence: missense variant. On other transcripts: intron variant (18), 3 prime UTR variant (3), non-coding transcript variant (7).
Genome position (GRCh38, 1-based): chr15:63,064,139, C>A. VCF-style: chr15-63064139-C-A. GRCh37 (hg19) VCF-style: chr15-63356338-C-A.
Other names: c.772+1494C>A (NM_001407338.1, NM_001018007.2, NM_001407337.1 and 8 more transcripts); c.664+1494C>A (NM_001330351.2, NM_001330344.2, NM_001018008.2 and 3 more transcripts); c.848C>A, p.Ser283Tyr (NM_000366.6, NM_001301244.2, NM_001365779.1 and 8 more transcripts); c.740C>A, p.Ser247Tyr (NM_001330346.2, NM_001365781.2, NM_001365782.1 and 1 more transcripts); c.974C>A, p.Ser325Tyr (NM_001407322.1, NM_001407323.1, NM_001407324.1); c.*1330C>A (NM_001407325.1, NM_001407340.1, NM_001407341.1); c.898+1494C>A (NM_001365778.1); short protein forms S247Y, S283Y, S325Y.
Identifiers: ClinVar variation 4865887 (VCV004865887.1).